The following is an entry in ClinVar:

ClinVar aggregate classification (germline): Conflicting classifications of pathogenicity. Review status: criteria provided, conflicting classifications (1 of 4 stars). 2 submissions from 2 submitters: Uncertain significance (1); Benign (1). Last evaluated 2023-05-09.

Conditions:
Inborn genetic diseases. Identifiers: MedGen C0950123, MeSH D030342.
Spastic paraplegia. Identifiers: MedGen C0037772, HP:0001258.

Allele frequency attached by ClinVar (database versions not stated): gnomAD 0.00002; TOPMed 0.00002.
gnomAD v4.1: 2 of 1,210,358 alleles (0.00017%); highest among the groups gnomAD compares: African/African-American, 0.0035%; no homozygotes.

Submissions (2):

Labcorp Genetics (formerly Invitae), Labcorp
Classification: Benign for Spastic paraplegia. Last evaluated: 2023-05-09. Review status: criteria provided, single submitter. Criteria: Invitae Variant Classification Sherloc (09022015). Collection method: clinical testing. Allele origin: germline.

Ambry Genetics
Classification: Uncertain significance for Inborn genetic diseases. Last evaluated: 2018-03-16. Review status: criteria provided, single submitter. Criteria: Ambry Variant Classification Scheme 2023. Collection method: clinical testing. Allele origin: germline.
Comment: The p.P282H variant (also known as c.845C>A), located in coding exon 8 of the L1CAM gene, results from a C to A substitution at nucleotide position 845. The proline at codon 282 is replaced by histidine, an amino acid with similar properties. This amino acid position is not well conserved in available vertebrate species, and histidine is the reference amino acid in other vertebrate species. In addition, this alteration is predicted to be tolerated by in silico analysis. Since supporting evidence is limited at this time, the clinical significance of this alteration remains unclear.

NM_001278116.2(L1CAM):c.845C>A (p.Pro282His)

Gene: L1CAM (L1 cell adhesion molecule; minus strand). Cytogenetic location: Xq28.
Variant type: single nucleotide variant.
Coding change: c.845C>A on transcript NM_001278116.2 (MANE Select); coding-DNA position 845, C replaced by A.
Protein change: p.Pro282His; replaces proline 282 with histidine.
Molecular consequence: missense variant.
Genome position (GRCh38, 1-based): chrX:153,870,202, G>T on the plus strand (C>A on the coding strand, the complement: L1CAM is on the minus strand). VCF-style: chrX-153870202-G-T. GRCh37 (hg19) VCF-style: chrX-153135657-G-T.
Other names: c.845C>A, p.Pro282His (NM_000425.5, NM_024003.3); c.830C>A, p.Pro277His (NM_001143963.2); short protein forms P282H, P277H.
Identifiers: ClinVar variation 1763452 (VCV001763452.5), dbSNP rs782196212, ClinGen allele CA415132452.